The following is an entry in ClinVar:

ClinVar aggregate classification (germline): Uncertain significance. Review status: criteria provided, multiple submitters, no conflicts (2 of 4 stars). 2 submissions from 2 submitters: Uncertain significance (2). Last evaluated 2025-10-18.

Allele frequency attached by ClinVar (database versions not stated): gnomAD exomes 0.00001; ExAC 0.00002.
gnomAD v4.1: 19 of 1,455,164 alleles (0.0013%); highest among the groups gnomAD compares: Non-Finnish European, 0.0016%; no homozygotes.

Submissions (2):

Labcorp Genetics (formerly Invitae), Labcorp
Classification: Uncertain significance. Last evaluated: 2025-10-18. Review status: criteria provided, single submitter. Criteria: Invitae Variant Classification Sherloc (09022015). Collection method: clinical testing. Allele origin: germline.
Comment: This sequence change replaces cysteine, which is neutral and slightly polar, with tyrosine, which is neutral and polar, at codon 12 of the TNNI3K protein (p.Cys12Tyr). This variant is present in population databases (rs200469447, gnomAD 0.002%). This variant has not been reported in the literature in individuals affected with TNNI3K-related conditions. ClinVar contains an entry for this variant (Variation ID: 1460658). Invitae Evidence Modeling of protein sequence and biophysical properties (such as structural, functional, and spatial information, amino acid conservation, physicochemical variation, residue mobility, and thermodynamic stability) indicates that this missense variant is not expected to disrupt TNNI3K protein function with a negative predictive value of 80%. In summary, the available evidence is currently insufficient to determine the role of this variant in disease. Therefore, it has been classified as a Variant of Uncertain Significance.

Blueprint Genetics
Classification: Uncertain significance. Last evaluated: 2024-10-17. Review status: criteria provided, single submitter. Criteria: ACMG Guidelines, 2015. Collection method: clinical testing. Allele origin: germline.

NM_015978.3(TNNI3K):c.35G>A (p.Cys12Tyr)

Genes: FPGT-TNNI3K (FPGT-TNNI3K readthrough; plus strand), TNNI3K (TNNI3 interacting kinase; plus strand). Cytogenetic location: 1p31.1.
Variant type: single nucleotide variant.
Coding change: c.35G>A on transcript NM_015978.3 (MANE Select); coding-DNA position 35, G replaced by A.
Protein change: p.Cys12Tyr; replaces cysteine 12 with tyrosine.
Molecular consequence: missense variant. On other transcripts: intron variant (2).
Genome position (GRCh38, 1-based): chr1:74,235,486, G>A. VCF-style: chr1-74235486-G-A. GRCh37 (hg19) VCF-style: chr1-74701170-G-A.
Other names: c.344-616G>A (NM_001112808.3, NM_001199327.2); short protein forms C12Y.
Identifiers: ClinVar variation 1460658 (VCV001460658.7), dbSNP rs200469447, ClinGen allele CA908732.